The following is an entry in ClinVar:

ClinVar aggregate classification (germline): Uncertain significance. Review status: criteria provided, multiple submitters, no conflicts (2 of 4 stars). 2 submissions from 2 submitters: Uncertain significance (2). Last evaluated 2024-01-25.

Conditions:
Hereditary cancer-predisposing syndrome. Also called: Hereditary Cancer Syndrome; Tumor predisposition; Hereditary neoplastic syndrome; Neoplastic Syndromes, Hereditary. Identifiers: Orphanet 140162, MedGen C0027672, MeSH D009386, MONDO:0015356.
Neuroblastoma, susceptibility to, 3. Also called: ALK-Related Neuroblastic Tumor Susceptibility. Identifiers: Orphanet 635, MedGen C2751681, MONDO:0013083, OMIM 613014.

Submissions (2):

Ambry Genetics
Classification: Uncertain significance for Hereditary cancer-predisposing syndrome. Last evaluated: 2024-01-25. Review status: criteria provided, single submitter. Criteria: Ambry Variant Classification Scheme 2023. Collection method: clinical testing. Allele origin: germline.
Comment: The p.F1271L variant (also known as c.3813C>A), located in coding exon 25 of the ALK gene, results from a C to A substitution at nucleotide position 3813. The phenylalanine at codon 1271 is replaced by leucine, an amino acid with highly similar properties. In an assay testing ALK function, this variant was considered non-activating when compared to known kinase activating mutations (Patil K et al. Proc Natl Acad Sci U S A, 2021 Mar;118:). This amino acid position is highly conserved in available vertebrate species. In addition, this alteration is predicted to be deleterious by in silico analysis. Based on the available evidence, the clinical significance of this alteration remains unclear.

Labcorp Genetics (formerly Invitae), Labcorp
Classification: Uncertain significance for Neuroblastoma, susceptibility to, 3. Last evaluated: 2023-11-11. Review status: criteria provided, single submitter. Criteria: Invitae Variant Classification Sherloc (09022015). Collection method: clinical testing. Allele origin: germline.
Comment: This sequence change replaces phenylalanine, which is neutral and non-polar, with leucine, which is neutral and non-polar, at codon 1271 of the ALK protein (p.Phe1271Leu). This variant is not present in population databases (gnomAD no frequency). This variant has not been reported in the literature in individuals affected with ALK-related conditions. An algorithm developed to predict the effect of missense changes on protein structure and function (PolyPhen-2) suggests that this variant is likely to be disruptive. In summary, the available evidence is currently insufficient to determine the role of this variant in disease. Therefore, it has been classified as a Variant of Uncertain Significance.

Literature cited by the submitters: PubMed 33674381 (cited by Ambry Genetics).

NM_004304.5(ALK):c.3813C>A (p.Phe1271Leu)

Gene: ALK (ALK receptor tyrosine kinase; minus strand). Cytogenetic location: 2p23.2.
Variant type: single nucleotide variant.
Coding change: c.3813C>A on transcript NM_004304.5 (MANE Select); coding-DNA position 3813, C replaced by A.
Protein change: p.Phe1271Leu; replaces phenylalanine 1271 with leucine.
Molecular consequence: missense variant.
Genome position (GRCh38, 1-based): chr2:29,209,809, G>T on the plus strand (C>A on the coding strand, the complement: ALK is on the minus strand). VCF-style: chr2-29209809-G-T. GRCh37 (hg19) VCF-style: chr2-29432675-G-T.
Other names: c.3813C>A (NM_004304.4); c.609C>A, p.Phe203Leu (NM_001353765.2); short protein forms F1271L, F203L.
Identifiers: ClinVar variation 3019524 (VCV003019524.4), dbSNP rs1297505919, ClinGen allele CA346469607.